The following is an entry in ClinVar:

ClinVar aggregate classification (germline): Uncertain significance (1 of 4 stars; one submission).

Allele frequency attached by ClinVar (database versions not stated): gnomAD 0.00001; gnomAD exomes 0.00001; TOPMed 0.00003.
gnomAD v4.1: 21 of 1,608,924 alleles (0.0013%); highest among the groups gnomAD compares: African/African-American, 0.0027%; no homozygotes.

Submission:

Labcorp Genetics (formerly Invitae), Labcorp
Classification: Uncertain significance. Last evaluated: 2021-04-21. Review status: criteria provided, single submitter. Criteria: Invitae Variant Classification Sherloc (09022015). Collection method: clinical testing. Allele origin: germline.
Comment: This variant has not been reported in the literature in individuals with MCM5-related conditions. This variant is not present in population databases (ExAC no frequency). This sequence change replaces lysine with arginine at codon 680 of the MCM5 protein (p.Lys680Arg). The lysine residue is highly conserved and there is a small physicochemical difference between lysine and arginine. Algorithms developed to predict the effect of missense changes on protein structure and function are either unavailable or do not agree on the potential impact of this missense change (SIFT: "Deleterious"; PolyPhen-2: "Benign"; Align-GVGD: "Class C0"). In summary, the available evidence is currently insufficient to determine the role of this variant in disease. Therefore, it has been classified as a Variant of Uncertain Significance.

NM_006739.4(MCM5):c.2039A>G (p.Lys680Arg)

Gene: MCM5 (minichromosome maintenance complex component 5; plus strand). Cytogenetic location: 22q12.3.
Variant type: single nucleotide variant.
Coding change: c.2039A>G on transcript NM_006739.4 (MANE Select); coding-DNA position 2039, A replaced by G.
Protein change: p.Lys680Arg; replaces lysine 680 with arginine.
Molecular consequence: missense variant.
Genome position (GRCh38, 1-based): chr22:35,423,277, A>G. VCF-style: chr22-35423277-A-G. GRCh37 (hg19) VCF-style: chr22-35819270-A-G.
Other names: short protein forms K680R.
Identifiers: ClinVar variation 1384584 (VCV001384584.8), dbSNP rs925331671, ClinGen allele CA323499161.